The following is an entry in ClinVar:

ClinVar aggregate classification (germline): Uncertain significance (1 of 4 stars; one submission).

Conditions:
Perlman syndrome (PRLMNS). Identifiers: Orphanet 2849, MedGen C0796113, MONDO:0009965, OMIM 267000.

Allele frequency attached by ClinVar (database versions not stated): TOPMed 0.00001.
gnomAD v4.1: 7 of 1,613,934 alleles (0.00043%); highest among the groups gnomAD compares: Non-Finnish European, 0.00059%; no homozygotes.

Submission:

Labcorp Genetics (formerly Invitae), Labcorp
Classification: Uncertain significance for Perlman syndrome. Last evaluated: 2022-09-07. Review status: criteria provided, single submitter. Criteria: Invitae Variant Classification Sherloc (09022015). Collection method: clinical testing. Allele origin: germline.
Comment: In summary, the available evidence is currently insufficient to determine the role of this variant in disease. Therefore, it has been classified as a Variant of Uncertain Significance. Algorithms developed to predict the effect of missense changes on protein structure and function (SIFT, PolyPhen-2, Align-GVGD) all suggest that this variant is likely to be disruptive. ClinVar contains an entry for this variant (Variation ID: 840230). This variant has not been reported in the literature in individuals affected with DIS3L2-related conditions. This variant is not present in population databases (gnomAD no frequency). This sequence change replaces serine, which is neutral and polar, with glycine, which is neutral and non-polar, at codon 753 of the DIS3L2 protein (p.Ser753Gly).

NM_152383.5(DIS3L2):c.2257A>G (p.Ser753Gly)

Gene: DIS3L2 (DIS3 like 3'-5' exoribonuclease 2; plus strand). Cytogenetic location: 2q37.1.
Variant type: single nucleotide variant.
Coding change: c.2257A>G on transcript NM_152383.5 (MANE Select); coding-DNA position 2257, A replaced by G.
Protein change: p.Ser753Gly; replaces serine 753 with glycine.
Molecular consequence: missense variant. On other transcripts: non-coding transcript variant (2), intron variant (1).
Genome position (GRCh38, 1-based): chr2:232,334,467, A>G. VCF-style: chr2-232334467-A-G. GRCh37 (hg19) VCF-style: chr2-233199177-A-G.
Other names: c.1582-8878A>G (NM_001257281.2); short protein forms S753G.
Identifiers: ClinVar variation 840230 (VCV000840230.7), dbSNP rs1695876008, ClinGen allele CA350977814.
Genomic context (GRCh38, chr2:232,334,467, plus strand): 5'-CAGAAACAGGCGGACCACTGTAACGACCGCCGCATGGCGTCCAAGCGCGTGCAGGAGCTC[A>G]GTACCAGTCTCTTCTTTGCTGTTCTGGTCAAGGTGAGCCCTCCAGCCTGGTGCCCCTCAC-3'
Protein context (NP_689596.4, residues 743-763): RMASKRVQEL[Ser753Gly]TSLFFAVLVK